The following is an entry in ClinVar:

ClinVar aggregate classification (germline): Conflicting classifications of pathogenicity. Review status: criteria provided, conflicting classifications (1 of 4 stars). 2 submissions from 2 submitters: Uncertain significance (1); Likely benign (1). Last evaluated 2025-09-25.

Conditions:
Inborn genetic diseases. Identifiers: MedGen C0950123, MeSH D030342.
Developmental and epileptic encephalopathy, 54. Also called: Epileptic encephalopathy, early infantile, 54; HNRNPU-Related Neurodevelopmental Disorder. Identifiers: MedGen C4479319, MONDO:0033363, OMIM 617391.

Allele frequency attached by ClinVar (database versions not stated): gnomAD exomes below 0.00001; TOPMed 0.00001; gnomAD 0.00002.
gnomAD v4.1: 6 of 1,614,090 alleles (0.00037%); highest among the groups gnomAD compares: East Asian, 0.0045%; no homozygotes.

Submissions (2):

Ambry Genetics
Classification: Likely benign for Inborn genetic diseases. Last evaluated: 2025-09-25. Review status: criteria provided, single submitter. Criteria: Ambry Variant Classification Scheme 2023. Collection method: clinical testing. Allele origin: germline.

Labcorp Genetics (formerly Invitae), Labcorp
Classification: Uncertain significance for Developmental and epileptic encephalopathy, 54. Last evaluated: 2025-07-27. Review status: criteria provided, single submitter. Criteria: Invitae Variant Classification Sherloc (09022015). Collection method: clinical testing. Allele origin: germline.
Comment: This sequence change replaces lysine, which is basic and polar, with arginine, which is basic and polar, at codon 462 of the HNRNPU protein (p.Lys462Arg). This variant is present in population databases (no rsID available, gnomAD 0.005%). This variant has not been reported in the literature in individuals affected with HNRNPU-related conditions. ClinVar contains an entry for this variant (Variation ID: 1943455). Invitae Evidence Modeling of protein sequence and biophysical properties (such as structural, functional, and spatial information, amino acid conservation, physicochemical variation, residue mobility, and thermodynamic stability) indicates that this missense variant is not expected to disrupt HNRNPU protein function with a negative predictive value of 95%. In summary, the available evidence is currently insufficient to determine the role of this variant in disease. Therefore, it has been classified as a Variant of Uncertain Significance.

NM_031844.3(HNRNPU):c.1385A>G (p.Lys462Arg)

Gene: HNRNPU (heterogeneous nuclear ribonucleoprotein U; minus strand). Cytogenetic location: 1q44.
Variant type: single nucleotide variant.
Coding change: c.1385A>G on transcript NM_031844.3 (MANE Select); coding-DNA position 1385, A replaced by G.
Protein change: p.Lys462Arg; replaces lysine 462 with arginine.
Molecular consequence: missense variant.
Genome position (GRCh38, 1-based): chr1:244,858,120, T>C on the plus strand (A>G on the coding strand, the complement: HNRNPU is on the minus strand). VCF-style: chr1-244858120-T-C. GRCh37 (hg19) VCF-style: chr1-245021422-T-C.
Other names: c.1385A>G (NM_031844.2); c.1328A>G, p.Lys443Arg (NM_004501.3); short protein forms K462R, K443R.
Identifiers: ClinVar variation 1943455 (VCV001943455.6), dbSNP rs905563416, ClinGen allele CA40500458.